The following is an entry in ClinVar:

ClinVar aggregate classification (germline): Uncertain significance (1 of 4 stars; one submission).

Submission:

GeneDx
Classification: Uncertain significance. Last evaluated: 2026-02-05. Review status: criteria provided, single submitter. Criteria: GeneDx Variant Classification Process June 2021. Collection method: clinical testing. Allele origin: germline.
Comment: Not observed at significant frequency in large population cohorts (gnomAD); In silico analysis supports that this missense variant has a deleterious effect on protein structure/function; Has not been previously published as pathogenic or benign to our knowledge.

NM_021244.5(RRAGD):c.383C>T (p.Thr128Ile)

Gene: RRAGD (Ras related GTP binding D; minus strand). Cytogenetic location: 6q15.
Variant type: single nucleotide variant.
Coding change: c.383C>T on transcript NM_021244.5 (MANE Select); coding-DNA position 383, C replaced by T.
Protein change: p.Thr128Ile; replaces threonine 128 with isoleucine.
Molecular consequence: missense variant.
Genome position (GRCh38, 1-based): chr6:89,387,356, G>A on the plus strand (C>T on the coding strand, the complement: RRAGD is on the minus strand). VCF-style: chr6-89387356-G-A. GRCh37 (hg19) VCF-style: chr6-90097075-G-A.
Other names: short protein forms T128I.
Identifiers: ClinVar variation 4976304 (VCV004976304.1).